The following is an entry in ClinVar:

ClinVar aggregate classification (germline): Uncertain significance (1 of 4 stars; one submission).

Conditions:
Developmental delay, impaired speech, and behavioral abnormalities, with or without seizures (DEDISB). Identifiers: MedGen C5575272, MONDO:0859263, OMIM 619964.

Submission:

Clinical Genomics Laboratory, Washington University in St. Louis
Classification: Uncertain significance for Developmental delay, impaired speech, and behavioral abnormalities, with or without seizures. Last evaluated: 2026-03-22. Review status: criteria provided, single submitter. Criteria: ACMG Guidelines, 2015. Collection method: clinical testing. Allele origin: germline.
Comment: The ARFGEF1 c.2180G>C (p.Gly727Ala) variant, to our knowledge, has not been reported in the medical literature. This variant is absent from the general population (gnomAD v2.1.1), indicating it is not a common variant. Computational predictors are uncertain as to the impact of this variant on ARFGEF1 function. Due to limited information, and based on ACMG/AMP guidelines for variant interpretation (Richards S et al., PMID: 25741868), the clinical significance of this variant is uncertain at this time.

NM_006421.5(ARFGEF1):c.2180G>C (p.Gly727Ala)

Gene: ARFGEF1 (ARF guanine nucleotide exchange factor 1; minus strand). Cytogenetic location: 8q13.2.
Variant type: single nucleotide variant.
Coding change: c.2180G>C on transcript NM_006421.5 (MANE Select); coding-DNA position 2180, G replaced by C.
Protein change: p.Gly727Ala; replaces glycine 727 with alanine.
Molecular consequence: missense variant. On other transcripts: non-coding transcript variant (1).
Genome position (GRCh38, 1-based): chr8:67,259,870, C>G on the plus strand (G>C on the coding strand, the complement: ARFGEF1 is on the minus strand). VCF-style: chr8-67259870-C-G. GRCh37 (hg19) VCF-style: chr8-68172105-C-G.
Other names: c.2180G>C, p.Gly727Ala (NM_001413184.1, NM_001413185.1, NM_001413186.1 and 7 more transcripts); c.1580G>C, p.Gly527Ala (NM_001413188.1, NM_001413193.1, NM_001413197.1); c.755G>C, p.Gly252Ala (NM_001413196.1); short protein forms G252A, G527A, G727A.
Identifiers: ClinVar variation 4879247 (VCV004879247.1).